The following is an entry in ClinVar:

ClinVar aggregate classification (germline): Uncertain significance (1 of 4 stars; one submission).

Conditions:
Hereditary cancer-predisposing syndrome. Also called: Neoplastic Syndromes, Hereditary; Tumor predisposition; Hereditary neoplastic syndrome; Hereditary Cancer Syndrome. Identifiers: Orphanet 140162, MedGen C0027672, MeSH D009386, MONDO:0015356.

Submission:

Ambry Genetics
Classification: Uncertain significance for Hereditary cancer-predisposing syndrome. Last evaluated: 2026-02-20. Review status: criteria provided, single submitter. Criteria: Ambry Variant Classification Scheme 2023. Collection method: clinical testing. Allele origin: germline.
Comment: The c.1814+4A>G intronic variant results from an A to G substitution 4 nucleotides after coding exon 18 in the RB1 gene. This nucleotide position is highly conserved in available vertebrate species. In silico splice site analysis predicts that this alteration may weaken the native splice donor site. Based on the available evidence, the clinical significance of this variant remains unclear.

NM_000321.3(RB1):c.1814+4A>G

Gene: RB1 (RB transcriptional corepressor 1; plus strand). Cytogenetic location: 13q14.2.
Variant type: single nucleotide variant.
Coding change: c.1814+4A>G on transcript NM_000321.3 (MANE Select); 4 bases into the intron after coding-DNA position 1814, A replaced by G.
Molecular consequence: intron variant.
Genome position (GRCh38, 1-based): chr13:48,453,115, A>G. VCF-style: chr13-48453115-A-G. GRCh37 (hg19) VCF-style: chr13-49027251-A-G.
Identifiers: ClinVar variation 428723 (VCV000428723.6), dbSNP rs1131690898, ClinGen allele CA645369525.